The following is an entry in ClinVar:

NM_005045.4(RELN):c.3980C>T (p.Ala1327Val)

Gene: RELN (reelin; minus strand). Cytogenetic location: 7q22.1.
Variant type: single nucleotide variant.
Coding change: c.3980C>T on transcript NM_005045.4 (MANE Select); coding-DNA position 3980, C replaced by T.
Protein change: p.Ala1327Val; replaces alanine 1327 with valine.
Molecular consequence: missense variant.
Genome position (GRCh38, 1-based): chr7:103,589,761, G>A on the plus strand (C>T on the coding strand, the complement: RELN is on the minus strand). VCF-style: chr7-103589761-G-A. GRCh37 (hg19) VCF-style: chr7-103230208-G-A.
Other names: c.3980C>T, p.Ala1327Val (NM_173054.3); short protein forms A1327V.
Identifiers: ClinVar variation 1058815 (VCV001058815.9), dbSNP rs959509012, ClinGen allele CA163937389.

ClinVar aggregate classification (germline): Uncertain significance (1 of 4 stars; one submission).

Conditions:
Familial temporal lobe epilepsy 7. Identifiers: Orphanet 101046, MedGen C4225327, MONDO:0014639, OMIM 616436.
Norman-Roberts syndrome (LIS2). Also called: Lissencephaly 2 (Norman-Roberts type). Identifiers: Orphanet 89844, MedGen C0796089, MONDO:0009760, OMIM 257320.

Allele frequency attached by ClinVar (database versions not stated): gnomAD 0.00001; TOPMed 0.00002.
gnomAD v4.1: 1 of 1,613,600 alleles (0.000062%); highest among the groups gnomAD compares: African/African-American, 0.0013%; no homozygotes.

Submission:

Labcorp Genetics (formerly Invitae), Labcorp
Classification: Uncertain significance for Familial temporal lobe epilepsy 7; Norman-Roberts syndrome. Last evaluated: 2025-03-30. Review status: criteria provided, single submitter. Criteria: Invitae Variant Classification Sherloc (09022015). Collection method: clinical testing. Allele origin: germline.
Comment: This sequence change replaces alanine, which is neutral and non-polar, with valine, which is neutral and non-polar, at codon 1327 of the RELN protein (p.Ala1327Val). This variant is not present in population databases (gnomAD no frequency). This variant has not been reported in the literature in individuals affected with RELN-related conditions. ClinVar contains an entry for this variant (Variation ID: 1058815). Invitae Evidence Modeling of protein sequence and biophysical properties (such as structural, functional, and spatial information, amino acid conservation, physicochemical variation, residue mobility, and thermodynamic stability) indicates that this missense variant is not expected to disrupt RELN protein function with a negative predictive value of 80%. In summary, the available evidence is currently insufficient to determine the role of this variant in disease. Therefore, it has been classified as a Variant of Uncertain Significance.